The following is an entry in ClinVar:

ClinVar aggregate classification (germline): Uncertain significance. Review status: criteria provided, multiple submitters, no conflicts (2 of 4 stars). 2 submissions from 2 submitters: Uncertain significance (2). Last evaluated 2025-09-28.

Conditions:
Inborn genetic diseases. Identifiers: MedGen C0950123, MeSH D030342.

Allele frequency attached by ClinVar (database versions not stated): gnomAD 0.00001.
gnomAD v4.1: 3 of 1,614,010 alleles (0.00019%); highest among the groups gnomAD compares: African/African-American, 0.004%; no homozygotes.

Submissions (2):

Labcorp Genetics (formerly Invitae), Labcorp
Classification: Uncertain significance. Last evaluated: 2025-09-28. Review status: criteria provided, single submitter. Criteria: Invitae Variant Classification Sherloc (09022015). Collection method: clinical testing. Allele origin: germline.
Comment: This sequence change replaces arginine, which is basic and polar, with glycine, which is neutral and non-polar, at codon 1238 of the MYO6 protein (p.Arg1238Gly). This variant is present in population databases (rs749828477, gnomAD 0.02%). This variant has not been reported in the literature in individuals affected with MYO6-related conditions. ClinVar contains an entry for this variant (Variation ID: 2244768). Invitae Evidence Modeling of protein sequence and biophysical properties (such as structural, functional, and spatial information, amino acid conservation, physicochemical variation, residue mobility, and thermodynamic stability) indicates that this missense variant is not expected to disrupt MYO6 protein function with a negative predictive value of 80%. In summary, the available evidence is currently insufficient to determine the role of this variant in disease. Therefore, it has been classified as a Variant of Uncertain Significance.

Ambry Genetics
Classification: Uncertain significance for Inborn genetic diseases. Last evaluated: 2021-08-13. Review status: criteria provided, single submitter. Criteria: Ambry Variant Classification Scheme 2023. Collection method: clinical testing. Allele origin: germline.

NM_004999.4(MYO6):c.3712C>G (p.Arg1238Gly)

Gene: MYO6 (myosin VI; plus strand). Cytogenetic location: 6q14.1.
Variant type: single nucleotide variant.
Coding change: c.3712C>G on transcript NM_004999.4 (MANE Select); coding-DNA position 3712, C replaced by G.
Protein change: p.Arg1238Gly; replaces arginine 1238 with glycine.
Molecular consequence: missense variant. On other transcripts: non-coding transcript variant (1).
Genome position (GRCh38, 1-based): chr6:75,914,866, C>G. VCF-style: chr6-75914866-C-G. GRCh37 (hg19) VCF-style: chr6-76624583-C-G.
Other names: c.3643C>G, p.Arg1215Gly (NM_001300899.2); c.3616C>G, p.Arg1206Gly (NM_001368136.1); c.3673C>G, p.Arg1225Gly (NM_001368137.1); c.3628C>G, p.Arg1210Gly (NM_001368138.1); c.3739C>G, p.Arg1247Gly (NM_001368865.1); c.3712C>G, p.Arg1238Gly (NM_001368866.1); short protein forms R1238G, R1206G, R1225G, R1210G, R1215G, R1247G.
Identifiers: ClinVar variation 2244768 (VCV002244768.3), dbSNP rs749828477, ClinGen allele CA3897799.
Genomic context (GRCh38, chr6:75,914,866, plus strand): 5'-AATACAGGTAAGGACGACATGGAGATGTGTGAGCTGAATCTTGAGGAGACTGGCCTGACT[C>G]GGAAGCGTGGTGCTGAGATCTTGCCAAGACAGTTTGAAGAAATCTGGGAACGCTGTGGAG-3'
Protein context (NP_004990.3, residues 1228-1248): ELNLEETGLT[Arg1238Gly]KRGAEILPRQ